The following is an entry in ClinVar:

ClinVar aggregate classification (germline): Benign/Likely benign. Review status: criteria provided, multiple submitters, no conflicts (2 of 4 stars). 3 submissions from 3 submitters: Benign (2); Likely benign (1). Last evaluated 2023-04-01.

Allele frequency attached by ClinVar (database versions not stated): ExAC 0.00341; gnomAD exomes 0.00392 and 0.00551; TOPMed 0.00413; ESP Exome Variant Server 0.00415; gnomAD 0.00427 and 0.00439; 1000 Genomes Project 30x 0.00187; 1000 Genomes Project 0.00200.
gnomAD v4.1: 8,659 of 1,614,112 alleles (0.54%); highest among the groups gnomAD compares: Non-Finnish European, 0.62%; 37 homozygotes.

Submissions (3):

CeGaT Center for Human Genetics Tuebingen
Classification: Likely benign. Last evaluated: 2023-04-01. Review status: criteria provided, single submitter. Criteria: CeGaT Center For Human Genetics Tuebingen Variant Classification Criteria Version 2. Collection method: clinical testing. Allele origin: germline. Affected: yes. Observed: 2 variant alleles.
Comment: PPRC1: BP4, BS2

Labcorp Genetics (formerly Invitae), Labcorp
Classification: Benign. Last evaluated: 2017-08-02. Review status: criteria provided, single submitter. Criteria: Invitae Variant Classification Sherloc (09022015). Collection method: clinical testing. Allele origin: germline.

Breakthrough Genomics
Classification: Benign. Review status: criteria provided, single submitter. Criteria: ACMG Guidelines, 2015. Collection method: not provided. Allele origin: germline. Inheritance: Unknown mechanism. Affected: yes.

NM_015062.5(PPRC1):c.4551-5G>A

Gene: PPRC1 (PPARG related coactivator 1; plus strand). Cytogenetic location: 10q24.32.
Variant type: single nucleotide variant.
Coding change: c.4551-5G>A on transcript NM_015062.5 (MANE Select); 5 bases into the intron before coding-DNA position 4551, G replaced by A.
Molecular consequence: intron variant.
Genome position (GRCh38, 1-based): chr10:102,148,623, G>A. VCF-style: chr10-102148623-G-A. GRCh37 (hg19) VCF-style: chr10-103908380-G-A.
Other names: c.3759-5G>A (NM_001288727.2); c.4191-11G>A (NM_001288728.2).
Identifiers: ClinVar variation 776536 (VCV000776536.28), dbSNP rs61751509, ClinGen allele CA5661602.